The following is an entry in ClinVar:

ClinVar aggregate classification (germline): Benign/Likely benign. Review status: criteria provided, multiple submitters, no conflicts (2 of 4 stars). 6 submissions from 6 submitters: Benign (3); Likely benign (3). Last evaluated 2026-01-26.

Conditions:
Myopathy, distal, with rimmed vacuoles (DMRV). Also called: MULTISYSTEM PROTEINOPATHY 4. Identifiers: MedGen C5399975, MONDO:0014945, OMIM 617158.
Paget disease of bone 3. Identifiers: MedGen C4085252, MONDO:0008176, OMIM 167250.
Neurodegeneration with ataxia, dystonia, and gaze palsy, childhood-onset (NADGP). Identifiers: MedGen C4310693, MONDO:0014940, OMIM 617145.
Frontotemporal dementia and/or amyotrophic lateral sclerosis 3. Also called: FTDALS3. Identifiers: Orphanet 275864, Orphanet 275872, Orphanet 803, MedGen C4225326, MONDO:0014640, OMIM 616437.
Frontotemporal dementia and/or amyotrophic lateral sclerosis 1 (FTDALS1). Also called: Frontotemporal dementia with motor neuron disease 1; C9orf72 Frontotemporal Dementia and/or Amyotrophic Lateral Sclerosis. Identifiers: Orphanet 275872, MedGen C5779877, MONDO:0007105, OMIM 105550.
Paget disease of bone 2, early-onset (PDB2). Also called: Paget disease of bone 2. Identifiers: MedGen C4085251, MONDO:0011183, OMIM 602080.

Allele frequency attached by ClinVar (database versions not stated): gnomAD exomes 0.00046 and 0.00161; gnomAD 0.00052 and 0.00068; TOPMed 0.00097; ExAC 0.00141; 1000 Genomes Project 30x 0.00312; 1000 Genomes Project 0.00359.
gnomAD v4.1: 878 of 1,614,160 alleles (0.054%); highest among the groups gnomAD compares: East Asian, 1.5%; 9 homozygotes.

Submissions (6):

Labcorp Genetics (formerly Invitae), Labcorp
Classification: Benign for Paget disease of bone 2, early-onset; Frontotemporal dementia and/or amyotrophic lateral sclerosis 1. Last evaluated: 2026-01-26. Review status: criteria provided, single submitter. Criteria: Invitae Variant Classification Sherloc (09022015). Collection method: clinical testing. Allele origin: germline.

Mayo Clinic Laboratories, Mayo Clinic
Classification: Benign. Last evaluated: 2024-03-08. Review status: criteria provided, single submitter. Criteria: ACMG Guidelines, 2015. Collection method: clinical testing. Allele origin: germline. Observed: 10 variant alleles.
Comment: BS1, BS2, BP4, BP7

Fulgent Genetics
Classification: Likely benign for Paget disease of bone 3; Frontotemporal dementia and/or amyotrophic lateral sclerosis 3; Neurodegeneration with ataxia, dystonia, and gaze palsy, childhood-onset; Myopathy, distal, with rimmed vacuoles. Last evaluated: 2022-03-21. Review status: criteria provided, single submitter. Criteria: ACMG Guidelines, 2015. Collection method: clinical testing. Allele origin: unknown.

GeneDx
Classification: Likely benign. Last evaluated: 2022-02-13. Review status: criteria provided, single submitter. Criteria: GeneDx Variant Classification Process June 2021. Collection method: clinical testing. Allele origin: germline. Affected: yes.
Comment: See Variant Classification Assertion Criteria.

Athena Diagnostics
Classification: Benign. Last evaluated: 2020-04-20. Review status: criteria provided, single submitter. Criteria: Athena Diagnostics Criteria. Collection method: clinical testing. Allele origin: unknown.

Illumina Laboratory Services, Illumina
Classification: Likely benign for Paget disease of bone 3. Last evaluated: 2017-04-27. Review status: criteria provided, single submitter. Criteria: ICSL Variant Classification Criteria 13 December 2019. Collection method: clinical testing. Allele origin: germline.
Comment: This variant was observed as part of a predisposition screen in an ostensibly healthy population. A literature search was performed for the gene, cDNA change, and amino acid change (where applicable). No publications were found based on this search. Allele frequency data from public databases allowed determination this variant is unlikely to cause disease. Therefore, this variant is classified as likely benign.

Literature cited by the submitters: PubMed 25796131 (cited by Mayo Clinic Laboratories, Mayo Clinic and Athena Diagnostics); PubMed 27275741 (cited by Mayo Clinic Laboratories, Mayo Clinic and Athena Diagnostics).

NM_003900.5(SQSTM1):c.1176G>A (p.Pro392=)

Gene: SQSTM1 (sequestosome 1; plus strand). Cytogenetic location: 5q35.3.
Variant type: single nucleotide variant.
Coding change: c.1176G>A on transcript NM_003900.5 (MANE Select); coding-DNA position 1176, G replaced by A.
Protein change: p.Pro392=; no amino-acid change (proline 392 retained).
Molecular consequence: synonymous variant.
Genome position (GRCh38, 1-based): chr5:179,836,446, G>A. VCF-style: chr5-179836446-G-A. GRCh37 (hg19) VCF-style: chr5-179263446-G-A.
Other names: p.Pro392=; c.924G>A, p.Pro308= (NM_001142298.2, NM_001142299.2).
Identifiers: ClinVar variation 542164 (VCV000542164.18), dbSNP rs75700262, ClinGen allele CA3600850.